The following is an entry in ClinVar:

NC_000015.10:g.24349669_24497505dup

Gene: PWRN3 (Prader-Willi region non-protein coding RNA 3; plus strand). Cytogenetic location: 15q11.2.
Variant type: Duplication.
Identifiers: ClinVar variation 157333 (VCV000157333.3).

ClinVar aggregate classification (germline): not provided (0 of 4 stars; one submission).

Conditions:
Preeclampsia. Identifiers: Orphanet 275555, MedGen C0032914, MONDO:0005081, HP:0100602.

Submission:

Institute of Molecular and Cell Biology, University of Tartu
No classification provided. Condition: Preeclampsia. Review status: no classification provided. Collection method: case-control. Allele origin: unknown. Affected: yes. Study: Kasak2014.
Comment: The study aimed to determine the contribution of copy number variants in the genetic etiology of normal and complicated pregnancies. The samples represented (i) maternal blood DNA drawn from healthy pregnant women during 1st or 2nd trimester and (ii) maternal and paternal blood DNA drawn at term pregnancy cases representing normal and complicated gestations (severe preeclampsia, PE; gestational diabetes, GD; small-for-gestational age newborn, SGA; large-for-gestational age newborn, LGA). We performed CNV calling based on genome-wide genotyping dataset (Illumina HumanOmniExpress-24-v1 BeadChip) by applying three algorithms, QuantiSNP, GADA (Genome Alteration Detection Algorithm) and CNstream in parallel. The acquired CNV calls were merged with HD-CNV (Hotspot Detector for Copy Number Variants) program and only the CNVs predicted by at least two programs, were considered in subsequent analysis.

Literature cited by the submitters: PubMed 25666259.